The following is an entry in ClinVar:

NM_001384474.1(LOXHD1):c.917_926del (p.Asp306fs)

Gene: LOXHD1 (lipoxygenase homology PLAT domains 1; minus strand). Cytogenetic location: 18q21.1.
Variant type: Deletion.
Coding change: c.917_926del on transcript NM_001384474.1 (MANE Select); coding-DNA positions 917 to 926, 10 bases deleted (ATGTCCGGGG; older notation c.917_926delATGTCCGGGG).
Protein change: p.Asp306fs; shifts the reading frame from aspartic acid 306.
Molecular consequence: frameshift variant.
Genome position (GRCh38, 1-based): chr18:46,601,425-46,601,434, CCCCGGACAT deleted on the plus strand (ATGTCCGGGG on the coding strand, the reverse complement: LOXHD1 is on the minus strand); deleting any 10 consecutive bases within chr18:46,601,425-46,601,438 gives the same sequence; the c. name uses the placement nearest the transcript's 3' end. VCF-style (leftmost placement, unchanged base first): chr18-46601424-CCCCCGGACAT-C. GRCh37 (hg19) VCF-style: chr18-44181387-CCCCCGGACAT-C.
Other names: c.917_926del, p.Asp306fs (NM_144612.7); short protein forms D306fs.
Identifiers: ClinVar variation 2113684 (VCV002113684.4), dbSNP rs2511954898, ClinGen allele CA2580095743.

ClinVar aggregate classification (germline): Pathogenic (1 of 4 stars; one submission).

Submission:

Labcorp Genetics (formerly Invitae), Labcorp
Classification: Pathogenic. Last evaluated: 2022-03-18. Review status: criteria provided, single submitter. Criteria: Invitae Variant Classification Sherloc (09022015). Collection method: clinical testing. Allele origin: germline.
Comment: For these reasons, this variant has been classified as Pathogenic. This sequence change creates a premature translational stop signal (p.Asp306Glyfs*50) in the LOXHD1 gene. It is expected to result in an absent or disrupted protein product. Loss-of-function variants in LOXHD1 are known to be pathogenic (PMID: 19732867, 21465660, 25792669). This variant is not present in population databases (gnomAD no frequency). This variant has not been reported in the literature in individuals affected with LOXHD1-related conditions.

Literature cited by the submitters: PubMed 19732867; PubMed 21465660; PubMed 25792669.